The following is an entry in ClinVar:

NM_005378.6(MYCN):c.1070G>A (p.Arg357His)

Gene: MYCN (MYCN proto-oncogene, bHLH transcription factor; plus strand). Cytogenetic location: 2p24.3.
Variant type: single nucleotide variant.
Coding change: c.1070G>A on transcript NM_005378.6 (MANE Select); coding-DNA position 1070, G replaced by A.
Protein change: p.Arg357His; replaces arginine 357 with histidine.
Molecular consequence: missense variant. On other transcripts: 3 prime UTR variant (1).
Genome position (GRCh38, 1-based): chr2:15,945,772, G>A. VCF-style: chr2-15945772-G-A. GRCh37 (hg19) VCF-style: chr2-16085894-G-A.
Other names: c.1070G>A, p.Arg357His (NM_001293228.2); c.437G>A, p.Arg146His (NM_001293231.2); c.*1005G>A (NM_001293233.2); short protein forms R146H, R357H.
Identifiers: ClinVar variation 2577558 (VCV002577558.1), dbSNP rs1398902296, ClinGen allele CA345932210.

ClinVar aggregate classification (germline): Uncertain significance (1 of 4 stars; one submission).

Allele frequency attached by ClinVar (database versions not stated): gnomAD exomes below 0.00001; TOPMed below 0.00001.
gnomAD v4.1: 4 of 1,614,072 alleles (0.00025%); highest among the groups gnomAD compares: Non-Finnish European, 0.00034%; no homozygotes.

Submission:

GeneDx
Classification: Uncertain significance. Last evaluated: 2023-02-26. Review status: criteria provided, single submitter. Criteria: GeneDx Variant Classification Process June 2021. Collection method: clinical testing. Allele origin: germline. Affected: yes.
Comment: Not observed at significant frequency in large population cohorts (gnomAD); In silico analysis supports that this missense variant has a deleterious effect on protein structure/function; Has not been previously published as pathogenic or benign to our knowledge